The following is an entry in ClinVar:

NM_018557.3(LRP1B):c.1431C>T (p.Val477=)

Gene: LRP1B (LDL receptor related protein 1B; minus strand). Cytogenetic location: 2q22.1.
Variant type: single nucleotide variant.
Coding change: c.1431C>T on transcript NM_018557.3 (MANE Select); coding-DNA position 1431, C replaced by T.
Protein change: p.Val477=; no amino-acid change (valine 477 retained).
Molecular consequence: synonymous variant.
Genome position (GRCh38, 1-based): chr2:141,055,237, G>A on the plus strand (C>T on the coding strand, the complement: LRP1B is on the minus strand). VCF-style: chr2-141055237-G-A. GRCh37 (hg19) VCF-style: chr2-141812806-G-A.
Identifiers: ClinVar variation 3046004 (VCV003046004.2), dbSNP rs149107019, ClinGen allele CA1896003.

ClinVar aggregate classification (germline): Likely benign (0 of 4 stars; one submission).

Conditions:
LRP1B-related disorder. Also called: LRP1B-related condition.

Allele frequency attached by ClinVar (database versions not stated): ExAC 0.00016; 1000 Genomes Project 0.00020; 1000 Genomes Project 30x 0.00047; ESP Exome Variant Server 0.00069; gnomAD 0.00092; TOPMed 0.00101.
gnomAD v4.1: 279 of 1,610,046 alleles (0.017%); highest among the groups gnomAD compares: African/African-American, 0.29%; 1 homozygote.

Submission:

PreventionGenetics, part of Exact Sciences
Classification: Likely benign for LRP1B-related condition. Last evaluated: 2019-10-28. Review status: no assertion criteria provided. Collection method: clinical testing. Allele origin: germline.
Comment: This variant is classified as likely benign based on ACMG/AMP sequence variant interpretation guidelines (Richards et al. 2015 PMID: 25741868, with internal and published modifications).